The following is an entry in ClinVar:

NM_001377265.1(MAPT):c.1370G>A (p.Ser457Asn)

Gene: MAPT (microtubule associated protein tau). Cytogenetic location: 17q21.31.
Variant type: single nucleotide variant.
Coding change: c.1370G>A on transcript NM_001377265.1 (MANE Select); coding-DNA position 1370, G replaced by A.
Protein change: p.Ser457Asn; replaces serine 457 with asparagine.
Molecular consequence: missense variant. On other transcripts: non-coding transcript variant (1).
Genome position (GRCh38, 1-based): chr17:45,987,058, G>A. VCF-style: chr17-45987058-G-A. GRCh37 (hg19) VCF-style: chr17-44064424-G-A.
Other names: p.Ser131Asn; c.1145G>A, p.Ser382Asn (NM_001123066.4, NM_016835.5); c.305G>A, p.Ser102Asn (NM_001123067.4, NM_001203251.2, NM_001377267.1); c.392G>A, p.Ser131Asn (NM_001203252.2, NM_005910.6); c.1370G>A, p.Ser457Asn (NM_001377266.1); c.218G>A, p.Ser73Asn (NM_001377268.1, NM_016834.5, NM_016841.5); short protein forms S102N, S131N, S382N, S457N, S73N.
Identifiers: ClinVar variation 3380496 (VCV003380496.1).

ClinVar aggregate classification (germline): Uncertain significance (1 of 4 stars; one submission).

Submission:

Mayo Clinic Laboratories, Mayo Clinic
Classification: Uncertain significance. Last evaluated: 2023-10-31. Review status: criteria provided, single submitter. Criteria: ACMG Guidelines, 2015. Collection method: clinical testing. Allele origin: germline. Observed: 1 variant allele.
Comment: BP4, PM2_moderate